The following is an entry in ClinVar:

ClinVar aggregate classification (germline): Uncertain significance (1 of 4 stars; one submission).

Conditions:
Propionic acidemia (PROP). Also called: GLYCINEMIA, KETOTIC; HYPERGLYCINEMIA WITH KETOACIDOSIS AND LEUKOPENIA; KETOTIC HYPERGLYCINEMIA. Identifiers: Orphanet 35, MedGen C0268579, MONDO:0011628, OMIM 606054, HP:0003571.

Allele frequency attached by ClinVar (database versions not stated): ExAC 0.00001; ESP Exome Variant Server 0.00008.

Submission:

Labcorp Genetics (formerly Invitae), Labcorp
Classification: Uncertain significance for Propionic acidemia. Last evaluated: 2024-09-23. Review status: criteria provided, single submitter. Criteria: Invitae Variant Classification Sherloc (09022015). Collection method: clinical testing. Allele origin: germline.
Comment: This sequence change replaces glycine, which is neutral and non-polar, with valine, which is neutral and non-polar, at codon 135 of the PCCB protein (p.Gly135Val). This variant is present in population databases (rs367680151, gnomAD 0.0009%). This variant has not been reported in the literature in individuals affected with PCCB-related conditions. ClinVar contains an entry for this variant (Variation ID: 1979318). Invitae Evidence Modeling of protein sequence and biophysical properties (such as structural, functional, and spatial information, amino acid conservation, physicochemical variation, residue mobility, and thermodynamic stability) indicates that this missense variant is not expected to disrupt PCCB protein function with a negative predictive value of 95%. In summary, the available evidence is currently insufficient to determine the role of this variant in disease. Therefore, it has been classified as a Variant of Uncertain Significance.

NM_000532.5(PCCB):c.404G>T (p.Gly135Val)

Gene: PCCB (propionyl-CoA carboxylase subunit beta; plus strand). Cytogenetic location: 3q22.3.
Variant type: single nucleotide variant.
Coding change: c.404G>T on transcript NM_000532.5 (MANE Select); coding-DNA position 404, G replaced by T.
Protein change: p.Gly135Val; replaces glycine 135 with valine.
Molecular consequence: missense variant.
Genome position (GRCh38, 1-based): chr3:136,260,510, G>T. VCF-style: chr3-136260510-G-T. GRCh37 (hg19) VCF-style: chr3-135979352-G-T.
Other names: c.464G>T, p.Gly155Val (NM_001178014.2); short protein forms G135V, G155V.
Identifiers: ClinVar variation 1979318 (VCV001979318.4), dbSNP rs367680151, ClinGen allele CA2631739.